The following is an entry in ClinVar:

NM_004655.4(AXIN2):c.2235A>T (p.Glu745Asp)

Gene: AXIN2 (axin 2; minus strand). Cytogenetic location: 17q24.1.
Variant type: single nucleotide variant.
Coding change: c.2235A>T on transcript NM_004655.4 (MANE Select); coding-DNA position 2235, A replaced by T.
Protein change: p.Glu745Asp; replaces glutamic acid 745 with aspartic acid.
Molecular consequence: missense variant.
Genome position (GRCh38, 1-based): chr17:65,535,628, T>A on the plus strand (A>T on the coding strand, the complement: AXIN2 is on the minus strand). VCF-style: chr17-65535628-T-A. GRCh37 (hg19) VCF-style: chr17-63531746-T-A.
Other names: c.2040A>T, p.Glu680Asp (NM_001363813.1); short protein forms E680D, E745D.
Identifiers: ClinVar variation 1788175 (VCV001788175.2), dbSNP rs2144432151, ClinGen allele CA400675700.

ClinVar aggregate classification (germline): Uncertain significance (1 of 4 stars; one submission).

Conditions:
Hereditary cancer-predisposing syndrome. Also called: Neoplastic Syndromes, Hereditary; Tumor predisposition; Hereditary Cancer Syndrome; Hereditary neoplastic syndrome. Identifiers: Orphanet 140162, MedGen C0027672, MeSH D009386, MONDO:0015356.

Submission:

Ambry Genetics
Classification: Uncertain significance for Hereditary cancer-predisposing syndrome. Last evaluated: 2022-03-04. Review status: criteria provided, single submitter. Criteria: Ambry Variant Classification Scheme 2023. Collection method: clinical testing. Allele origin: germline.
Comment: The p.E745D variant (also known as c.2235A>T), located in coding exon 8 of the AXIN2 gene, results from an A to T substitution at nucleotide position 2235. The glutamic acid at codon 745 is replaced by aspartic acid, an amino acid with highly similar properties. This amino acid position is conserved. In addition, this alteration is predicted to be tolerated by in silico analysis. Since supporting evidence is limited at this time, the clinical significance of this alteration remains unclear.